The following is an entry in ClinVar:

NM_024757.5(EHMT1):c.312G>A (p.Ala104=)

Gene: EHMT1 (euchromatic histone lysine methyltransferase 1; plus strand). Cytogenetic location: 9q34.3.
Variant type: single nucleotide variant.
Coding change: c.312G>A on transcript NM_024757.5 (MANE Select); coding-DNA position 312, G replaced by A.
Protein change: p.Ala104=; no amino-acid change (alanine 104 retained).
Molecular consequence: synonymous variant.
Genome position (GRCh38, 1-based): chr9:137,716,852, G>A. VCF-style: chr9-137716852-G-A. GRCh37 (hg19) VCF-style: chr9-140611304-G-A.
Other names: c.312G>A, p.Ala104= (NM_001145527.2, NM_001354263.2, NM_001354611.2); c.219G>A, p.Ala73= (NM_001354259.2, NM_001354612.2).
Identifiers: ClinVar variation 752638 (VCV000752638.13), dbSNP rs576731460, ClinGen allele CA5374263.

ClinVar aggregate classification (germline): Benign. Review status: criteria provided, single submitter (1 of 4 stars). 2 submissions from 2 submitters: Benign (1). 1 of the submissions does not count toward it. Last evaluated 2026-01-07.

Conditions:
EHMT1-related disorder. Also called: EHMT1-related condition.
Kleefstra syndrome 1 (KLEFS1). Identifiers: Orphanet 261494, MedGen C0795833, MONDO:0027407, OMIM 610253.

Allele frequency attached by ClinVar (database versions not stated): TOPMed 0.00005; gnomAD 0.00020 and 0.00021; gnomAD exomes 0.00023 and 0.00011; 1000 Genomes Project 0.00060; ExAC 0.00021; 1000 Genomes Project 30x 0.00047.
gnomAD v4.1: 189 of 1,613,298 alleles (0.012%); highest among the groups gnomAD compares: South Asian, 0.035%; 1 homozygote.

Submissions (2):

Labcorp Genetics (formerly Invitae), Labcorp
Classification: Benign for Kleefstra syndrome 1. Last evaluated: 2026-01-07. Review status: criteria provided, single submitter. Criteria: Invitae Variant Classification Sherloc (09022015). Collection method: clinical testing. Allele origin: germline.

PreventionGenetics, part of Exact Sciences
Classification: Likely benign for EHMT1-related condition. Last evaluated: 2019-07-03. Review status: no assertion criteria provided. Collection method: clinical testing. Allele origin: germline. Not counted in ClinVar's aggregate classification.
Comment: This variant is classified as likely benign based on ACMG/AMP sequence variant interpretation guidelines (Richards et al. 2015 PMID: 25741868, with internal and published modifications).